The following is an entry in ClinVar:

ClinVar aggregate classification (germline): Uncertain significance (1 of 4 stars; one submission).

gnomAD v4.1: 2 of 1,611,362 alleles (0.00012%); highest among the groups gnomAD compares: South Asian, 0.0022%; no homozygotes.

Submission:

Labcorp Genetics (formerly Invitae), Labcorp
Classification: Uncertain significance. Last evaluated: 2025-09-13. Review status: criteria provided, single submitter. Criteria: Invitae Variant Classification Sherloc (09022015). Collection method: clinical testing. Allele origin: germline.
Comment: This sequence change replaces glycine, which is neutral and non-polar, with valine, which is neutral and non-polar, at codon 1695 of the POLE protein (p.Gly1695Val). This variant is not present in population databases (gnomAD no frequency). This variant has not been reported in the literature in individuals affected with POLE-related conditions. ClinVar contains an entry for this variant (Variation ID: 473707). Invitae Evidence Modeling of protein sequence and biophysical properties (such as structural, functional, and spatial information, amino acid conservation, physicochemical variation, residue mobility, and thermodynamic stability) indicates that this missense variant is expected to disrupt POLE protein function with a positive predictive value of 80%. In summary, the available evidence is currently insufficient to determine the role of this variant in disease. Therefore, it has been classified as a Variant of Uncertain Significance.

NM_006231.4(POLE):c.5084G>T (p.Gly1695Val)

Gene: POLE (DNA polymerase epsilon, catalytic subunit; minus strand). Cytogenetic location: 12q24.33.
Variant type: single nucleotide variant.
Coding change: c.5084G>T on transcript NM_006231.4 (MANE Select); coding-DNA position 5084, G replaced by T.
Protein change: p.Gly1695Val; replaces glycine 1695 with valine.
Molecular consequence: missense variant.
Genome position (GRCh38, 1-based): chr12:132,642,266, C>A on the plus strand (G>T on the coding strand, the complement: POLE is on the minus strand). VCF-style: chr12-132642266-C-A. GRCh37 (hg19) VCF-style: chr12-133218852-C-A.
Other names: short protein forms G1695V.
Identifiers: ClinVar variation 473707 (VCV000473707.8), dbSNP rs920535000, ClinGen allele CA387376985.
Genomic context (GRCh38, chr12:132,642,266, plus strand): 5'-TCAACAGTGGCTTGGTCATCGAACTCCATGACAAGACAGTTGTCATCAGCCTCCTTTCCA[C>A]CCAGGTCAGGGCGGGCTGTAGGGGACAGCCAGAGCAGGTGGTTGTGGCGCTGGAGGTGGC-3'
Protein context (NP_006222.2, residues 1685-1705): WLSPTARPDL[Gly1695Val]GKEADDNCLV